The following is an entry in ClinVar:

NM_025152.3(NUBPL):c.792G>C (p.Gln264His)

Gene: NUBPL (NUBP iron-sulfur cluster assembly factor, mitochondrial; plus strand). Cytogenetic location: 14q12.
Variant type: single nucleotide variant.
Coding change: c.792G>C on transcript NM_025152.3 (MANE Select); coding-DNA position 792, G replaced by C.
Protein change: p.Gln264His; replaces glutamine 264 with histidine.
Molecular consequence: missense variant. On other transcripts: non-coding transcript variant (1).
Genome position (GRCh38, 1-based): chr14:31,846,569, G>C. VCF-style: chr14-31846569-G-C. GRCh37 (hg19) VCF-style: chr14-32315775-G-C.
Other names: c.504G>C, p.Gln168His (NM_001201573.2); c.243G>C, p.Gln81His (NM_001201574.2); short protein forms Q264H, Q81H, Q168H.
Identifiers: ClinVar variation 2013786 (VCV002013786.4), dbSNP rs2040456341, ClinGen allele CA389481000.

ClinVar aggregate classification (germline): Uncertain significance (1 of 4 stars; one submission).

Submission:

Labcorp Genetics (formerly Invitae), Labcorp
Classification: Uncertain significance. Last evaluated: 2022-07-07. Review status: criteria provided, single submitter. Criteria: Invitae Variant Classification Sherloc (09022015). Collection method: clinical testing. Allele origin: germline.
Comment: This sequence change replaces glutamine, which is neutral and polar, with histidine, which is basic and polar, at codon 264 of the NUBPL protein (p.Gln264His). This variant is not present in population databases (gnomAD no frequency). This variant has not been reported in the literature in individuals affected with NUBPL-related conditions. Algorithms developed to predict the effect of missense changes on protein structure and function are either unavailable or do not agree on the potential impact of this missense change (SIFT: "Deleterious"; PolyPhen-2: "Benign"; Align-GVGD: "Class C0"). In summary, the available evidence is currently insufficient to determine the role of this variant in disease. Therefore, it has been classified as a Variant of Uncertain Significance.